The following is an entry in ClinVar:

NM_138773.4(SLC25A46):c.829A>C (p.Ile277Leu)

Gene: SLC25A46 (solute carrier family 25 member 46; plus strand). Cytogenetic location: 5q22.1.
Variant type: single nucleotide variant.
Coding change: c.829A>C on transcript NM_138773.4 (MANE Select); coding-DNA position 829, A replaced by C.
Protein change: p.Ile277Leu; replaces isoleucine 277 with leucine.
Molecular consequence: missense variant. On other transcripts: non-coding transcript variant (1), intron variant (1).
Genome position (GRCh38, 1-based): chr5:110,761,354, A>C. VCF-style: chr5-110761354-A-C. GRCh37 (hg19) VCF-style: chr5-110097054-A-C.
Other names: c.556A>C, p.Ile186Leu (NM_001303250.3); c.679-93A>C (NM_001303249.3); c.829A>C (NM_138773.1); short protein forms I186L, I277L.
Identifiers: ClinVar variation 944699 (VCV000944699.8), dbSNP rs747810302, ClinGen allele CA3364758.

ClinVar aggregate classification (germline): Uncertain significance. Review status: criteria provided, multiple submitters, no conflicts (2 of 4 stars). 2 submissions from 2 submitters: Uncertain significance (2). Last evaluated 2024-12-04.

Conditions:
Neuropathy, hereditary motor and sensory, type 6B (HMSN6B). Also called: Neuropathy, hereditary motor and sensory, type VIB; NEUROPATHY, HEREDITARY MOTOR AND SENSORY, TYPE VIB, WITH OPTIC ATROPHY; HMSN VIB; CHARCOT-MARIE-TOOTH DISEASE, TYPE 6B. Identifiers: MedGen C4225302, MONDO:0014671, OMIM 616505.
Inborn genetic diseases. Identifiers: MedGen C0950123, MeSH D030342.

Allele frequency attached by ClinVar (database versions not stated): ExAC 0.00001; gnomAD 0.00001; gnomAD exomes 0.00001 and 0.00002; TOPMed 0.00001.
gnomAD v4.1: 28 of 1,613,678 alleles (0.0017%); highest among the groups gnomAD compares: Admixed American, 0.0033%; no homozygotes.

Submissions (2):

Ambry Genetics
Classification: Uncertain significance for Inborn genetic diseases. Last evaluated: 2024-12-04. Review status: criteria provided, single submitter. Criteria: Ambry Variant Classification Scheme 2023. Collection method: clinical testing. Allele origin: germline.

Labcorp Genetics (formerly Invitae), Labcorp
Classification: Uncertain significance for Neuropathy, hereditary motor and sensory, type 6B. Last evaluated: 2022-07-17. Review status: criteria provided, single submitter. Criteria: Invitae Variant Classification Sherloc (09022015). Collection method: clinical testing. Allele origin: germline.
Comment: This sequence change replaces isoleucine, which is neutral and non-polar, with leucine, which is neutral and non-polar, at codon 277 of the SLC25A46 protein (p.Ile277Leu). This variant is present in population databases (rs747810302, gnomAD 0.004%). This variant has not been reported in the literature in individuals affected with SLC25A46-related conditions. ClinVar contains an entry for this variant (Variation ID: 944699). Algorithms developed to predict the effect of missense changes on protein structure and function (SIFT, PolyPhen-2, Align-GVGD) all suggest that this variant is likely to be tolerated. In summary, the available evidence is currently insufficient to determine the role of this variant in disease. Therefore, it has been classified as a Variant of Uncertain Significance.